The following is an entry in ClinVar:

NM_000542.5(SFTPB):c.476C>G (p.Pro159Arg)

Gene: SFTPB (surfactant protein B; minus strand). Cytogenetic location: 2p11.2.
Variant type: single nucleotide variant.
Coding change: c.476C>G on transcript NM_000542.5 (MANE Select); coding-DNA position 476, C replaced by G.
Protein change: p.Pro159Arg; replaces proline 159 with arginine.
Molecular consequence: missense variant.
Genome position (GRCh38, 1-based): chr2:85,665,712, G>C on the plus strand (C>G on the coding strand, the complement: SFTPB is on the minus strand). VCF-style: chr2-85665712-G-C. GRCh37 (hg19) VCF-style: chr2-85892835-G-C.
Other names: c.476C>G, p.Pro159Arg (NM_001367281.2, NM_198843.4); short protein forms P159R.
Identifiers: ClinVar variation 1745529 (VCV001745529.2), dbSNP rs2466687289, ClinGen allele CA347490458.

ClinVar aggregate classification (germline): Uncertain significance (1 of 4 stars; one submission).

Conditions:
Hereditary pulmonary alveolar proteinosis. Also called: Pulmonary surfactant metabolism dysfunction. Identifiers: Orphanet 264675, MedGen C3711368, MONDO:0012580.

Submission:

Ambry Genetics
Classification: Uncertain significance for Hereditary pulmonary alveolar proteinosis. Last evaluated: 2022-04-03. Review status: criteria provided, single submitter. Criteria: Ambry Variant Classification Scheme 2023. Collection method: clinical testing. Allele origin: germline.
Comment: The p.P171R variant (also known as c.512C>G), located in coding exon 5 of the SFTPB gene, results from a C to G substitution at nucleotide position 512. The proline at codon 171 is replaced by arginine, an amino acid with dissimilar properties. This amino acid position is conserved. In addition, this alteration is predicted to be tolerated by in silico analysis. Since supporting evidence is limited at this time, the clinical significance of this alteration remains unclear.